The following is an entry in ClinVar:

ClinVar aggregate classification (germline): Uncertain significance. Review status: criteria provided, multiple submitters, no conflicts (2 of 4 stars). 3 submissions from 3 submitters: Uncertain significance (3). Last evaluated 2025-06-18.

Conditions:
Cardiovascular phenotype. Identifiers: MedGen CN230736.
Catecholaminergic polymorphic ventricular tachycardia 1. Also called: VENTRICULAR TACHYCARDIA, CATECHOLAMINERGIC POLYMORPHIC, 1, WITH OR WITHOUT ATRIAL DYSFUNCTION AND/OR DILATED CARDIOMYOPATHY; VENTRICULAR TACHYCARDIA, STRESS-INDUCED POLYMORPHIC 1; RYR2-Related Catecholaminergic Polymorphic Ventricular Tachycardia. Identifiers: Orphanet 3286, MedGen C1631597, MONDO:0011484, OMIM 604772.
Catecholaminergic polymorphic ventricular tachycardia (CVPT). Also called: Catecholamine-induced polymorphic ventricular tachycardia. Identifiers: Orphanet 3286, MedGen C5574922, MONDO:0017990.

Submissions (3):

Ambry Genetics
Classification: Uncertain significance for Cardiovascular phenotype. Last evaluated: 2025-06-18. Review status: criteria provided, single submitter. Criteria: Ambry Variant Classification Scheme 2023. Collection method: clinical testing. Allele origin: germline.
Comment: The p.M1421T variant (also known as c.4262T>C), located in coding exon 32 of the RYR2 gene, results from a T to C substitution at nucleotide position 4262. The methionine at codon 1421 is replaced by threonine, an amino acid with similar properties. This amino acid position is well conserved in available vertebrate species. In addition, the in silico prediction for this alteration is inconclusive. Based on the available evidence, the clinical significance of this variant remains unclear.

Labcorp Genetics (formerly Invitae), Labcorp
Classification: Uncertain significance for Catecholaminergic polymorphic ventricular tachycardia 1. Last evaluated: 2025-06-06. Review status: criteria provided, single submitter. Criteria: Invitae Variant Classification Sherloc (09022015). Collection method: clinical testing. Allele origin: germline.
Comment: This sequence change replaces methionine, which is neutral and non-polar, with threonine, which is neutral and polar, at codon 1421 of the RYR2 protein (p.Met1421Thr). This variant is not present in population databases (gnomAD no frequency). This variant has not been reported in the literature in individuals affected with RYR2-related conditions. ClinVar contains an entry for this variant (Variation ID: 1390197). Invitae Evidence Modeling of protein sequence and biophysical properties (such as structural, functional, and spatial information, amino acid conservation, physicochemical variation, residue mobility, and thermodynamic stability) indicates that this missense variant is not expected to disrupt RYR2 protein function with a negative predictive value of 95%. In summary, the available evidence is currently insufficient to determine the role of this variant in disease. Therefore, it has been classified as a Variant of Uncertain Significance.

All of Us Research Program, National Institutes of Health
Classification: Uncertain significance for Catecholaminergic polymorphic ventricular tachycardia. Last evaluated: 2023-12-13. Review status: criteria provided, single submitter. Criteria: ACMG Guidelines, 2015. Collection method: clinical testing. Allele origin: germline. Inheritance: Autosomal dominant inheritance. Observed: 2 variant alleles, 2 heterozygotes.
Comment: This missense variant replaces methionine with threonine at codon 1421 of the RYR2 protein. Computational prediction suggests that this variant may not impact protein structure and function (internally defined REVEL score threshold <= 0.5, PMID: 27666373). To our knowledge, functional studies have not been reported for this variant. This variant has not been reported in individuals affected with RYR2-related disorders in the literature. This variant has not been identified in the general population by the Genome Aggregation Database (gnomAD). The available evidence is insufficient to determine the role of this variant in disease conclusively. Therefore, this variant is classified as a Variant of Uncertain Significance.

This study involves interpretation of variants in research participants for the purpose of population health screening. Participant phenotype was not available at the time of variant classification. Additional details can be found in publication PMID: 35346344, PMCID: PMC8962531

NM_001035.3(RYR2):c.4262T>C (p.Met1421Thr)

Gene: RYR2 (ryanodine receptor 2; plus strand). Cytogenetic location: 1q43.
Variant type: single nucleotide variant.
Coding change: c.4262T>C on transcript NM_001035.3 (MANE Select); coding-DNA position 4262, T replaced by C.
Protein change: p.Met1421Thr; replaces methionine 1421 with threonine.
Molecular consequence: missense variant.
Genome position (GRCh38, 1-based): chr1:237,591,840, T>C. VCF-style: chr1-237591840-T-C. GRCh37 (hg19) VCF-style: chr1-237755140-T-C.
Other names: c.4262T>C (NM_001035.2); short protein forms M1421T.
Identifiers: ClinVar variation 1390197 (VCV001390197.10), dbSNP rs2148446716, ClinGen allele CA345398916.